The following is an entry in ClinVar:

ClinVar aggregate classification (germline): Uncertain significance (1 of 4 stars; one submission).

Conditions:
Early-infantile DEE. Also called: Early infantile epileptic encephalopathy; Early infantile epileptic encephalopathy with suppression bursts; Ohtahara syndrome. Identifiers: Orphanet 1934, MedGen C0393706, MONDO:0800491.

Submission:

Labcorp Genetics (formerly Invitae), Labcorp
Classification: Uncertain significance for Early-infantile DEE. Last evaluated: 2023-01-24. Review status: criteria provided, single submitter. Criteria: Invitae Variant Classification Sherloc (09022015). Collection method: clinical testing. Allele origin: germline.
Comment: This variant is not present in population databases (gnomAD no frequency). This variant, c.3641_3658dup, results in the insertion of 6 amino acid(s) of the SPTAN1 protein (p.Arg1214_Gln1219dup), but otherwise preserves the integrity of the reading frame. This variant has not been reported in the literature in individuals affected with SPTAN1-related conditions. In summary, the available evidence is currently insufficient to determine the role of this variant in disease. Therefore, it has been classified as a Variant of Uncertain Significance.

NM_001130438.3(SPTAN1):c.3641_3658dup (p.Gln1219_Gln1220insArgTrpArgSerLeuGln)

Gene: SPTAN1 (spectrin alpha, non-erythrocytic 1; plus strand). Cytogenetic location: 9q34.11.
Variant type: Duplication.
Coding change: c.3641_3658dup on transcript NM_001130438.3 (MANE Select); coding-DNA positions 3641 to 3658, 18 bases duplicated (GCTGGCGGTCCCTACAGC).
Protein change: p.Gln1219_Gln1220insArgTrpArgSerLeuGln.
Molecular consequence: inframe insertion.
Genome position (GRCh38, 1-based): chr9:128,604,339-128,604,356, GCTGGCGGTCCCTACAGC duplicated; duplicating any 18 consecutive bases within chr9:128,604,336-128,604,356 gives the same sequence; the c. name uses the placement nearest the transcript's 3' end. VCF-style (leftmost placement, unchanged base first): chr9-128604335-G-GAGCGCTGGCGGTCCCTAC. GRCh37 (hg19) VCF-style: chr9-131366614-G-GAGCGCTGGCGGTCCCTAC.
Other names: c.3581_3598dup, p.Gln1199_Gln1200insArgTrpArgSerLeuGln (NM_001195532.2, NM_001363765.2, NM_001375314.2); c.3641_3658dup, p.Gln1219_Gln1220insArgTrpArgSerLeuGln (NM_001363759.2, NM_001375310.1, NM_001375311.2 and 2 more transcripts); c.3677_3694dup, p.Gln1231_Gln1232insArgTrpArgSerLeuGln (NM_001375312.2, NM_001375318.1).
Identifiers: ClinVar variation 2831687 (VCV002831687.3), dbSNP rs2541659405, ClinGen allele CA2739265102.
Genomic context (GRCh38, chr9:128,604,335, plus strand): 5'-GGCATGACAGGAGAGGGAGTGCAGTGGAGCTGATGTTTTGCTGTCCTGCAGGAGCTGAAT[G>GAGCGCTGGCGGTCCCTAC]AGCGCTGGCGGTCCCTACAGCAGCTGGCCGAGGAACGGAGCCAGCTCTTGGGCAGCGCCC-3'